The following is an entry in ClinVar:

ClinVar aggregate classification (germline): Conflicting classifications of pathogenicity. Review status: criteria provided, conflicting classifications (1 of 4 stars). 4 submissions from 4 submitters: Pathogenic (1); Likely pathogenic (1); Uncertain significance (1). 1 of the submissions does not count toward it. Last evaluated 2026-01-26.

Conditions:
Hypohidrotic X-linked ectodermal dysplasia (XHED). Also called: ECTODERMAL DYSPLASIA, HYPOHIDROTIC, 1; CST SYNDROME; ECTODERMAL DYSPLASIA 1; Anhidrotic ectodermal dysplasia X-linked; Christ Siemens Touraine syndrome; Christ-Siemans-Touraine syndrome. Identifiers: Orphanet 181, Orphanet 238468, MedGen C0162359, MONDO:0010585, OMIM 305100.
EDA-related disorder. Also called: EDA-related condition; EDA-related disorders.

Submissions (4):

Labcorp Genetics (formerly Invitae), Labcorp
Classification: Pathogenic for Hypohidrotic X-linked ectodermal dysplasia. Last evaluated: 2026-01-26. Review status: criteria provided, single submitter. Criteria: Invitae Variant Classification Sherloc (09022015). Collection method: clinical testing. Allele origin: germline.
Comment: This sequence change replaces proline, which is neutral and non-polar, with leucine, which is neutral and non-polar, at codon 209 of the EDA protein (p.Pro209Leu). This variant is not present in population databases (gnomAD no frequency). This missense change has been observed in individual(s) with ectodermal dysplasia (PMID: 9683615; internal data). It has also been observed to segregate with disease in related individuals. ClinVar contains an entry for this variant (Variation ID: 11038). Invitae Evidence Modeling of protein sequence and biophysical properties (such as structural, functional, and spatial information, amino acid conservation, physicochemical variation, residue mobility, and thermodynamic stability) has been performed for this missense variant. However, the output from this modeling did not meet the statistical confidence thresholds required to predict the impact of this variant on EDA protein function. For these reasons, this variant has been classified as Pathogenic.

Blueprint Genetics
Classification: Likely pathogenic for EDA-related disorders. Last evaluated: 2023-03-24. Review status: criteria provided, single submitter. Criteria: ACMG Guidelines, 2015. Collection method: clinical testing. Allele origin: germline. Affected: yes. Observed: 2 variant alleles.

Laboratory for Molecular Medicine, Mass General Brigham Personalized Medicine
Classification: Uncertain significance. Last evaluated: 2014-07-03. Review status: criteria provided, single submitter. Criteria: LMM Criteria. Collection method: clinical testing. Allele origin: germline. Observed: 1 variant allele.
Comment: Variant classified as Uncertain Significance - Favor Pathogenic. The variant was also absent in large population studies. Proline (Pr o) at position 209 is highly conserved in mammals and evolutionarily distant spe cies, supporting that a change at this position may not be tolerated. Additional computational prediction tools suggest that this variant may impact the protein , though this information is not predictive enough to determine pathogenicity. I n summary, while there is some suspicion for a pathogenic role, the clinical sig nificance of the Pro209Leu variant is uncertain.

OMIM
Classification: Pathogenic for ECTODERMAL DYSPLASIA 1, HYPOHIDROTIC/HAIR/TOOTH TYPE, X-LINKED. Last evaluated: 1998-08-01. Review status: no assertion criteria provided. Collection method: literature only. Allele origin: germline. Not counted in ClinVar's aggregate classification.

Literature cited by the submitters: PubMed 9683615 (cited by 3 submitters).

NM_001399.5(EDA):c.626C>T (p.Pro209Leu)

Gene: EDA (ectodysplasin A; plus strand). Cytogenetic location: Xq13.1.
Variant type: single nucleotide variant.
Coding change: c.626C>T on transcript NM_001399.5 (MANE Select); coding-DNA position 626, C replaced by T.
Protein change: p.Pro209Leu; replaces proline 209 with leucine.
Molecular consequence: missense variant.
Genome position (GRCh38, 1-based): chrX:70,027,956, C>T. VCF-style: chrX-70027956-C-T. GRCh37 (hg19) VCF-style: chrX-69247806-C-T.
Other names: c.626C>T, p.Pro209Leu (NM_001005609.2, NM_001005612.3); short protein forms P209L.
Identifiers: ClinVar variation 11038 (VCV000011038.14), dbSNP rs132630315, ClinGen allele CA181048.